The following is an entry in ClinVar:

NM_001369.3(DNAH5):c.8488dup (p.Ile2830fs)

Gene: DNAH5 (dynein axonemal heavy chain 5; minus strand). Cytogenetic location: 5p15.2.
Variant type: Duplication.
Coding change: c.8488dup on transcript NM_001369.3 (MANE Select); coding-DNA position 8488, one base duplicated (A; older notation c.8488dupA).
Protein change: p.Ile2830fs; shifts the reading frame from isoleucine 2830.
Molecular consequence: frameshift variant.
Genome position (GRCh38, 1-based): chr5:13,788,875, T duplicated on the plus strand (A on the coding strand, the reverse complement: DNAH5 is on the minus strand). VCF-style (leftmost placement, unchanged base first): chr5-13788874-A-AT. GRCh37 (hg19) VCF-style: chr5-13788983-A-AT.
Other names: short protein forms I2830fs.
Identifiers: ClinVar variation 2840236 (VCV002840236.4), dbSNP rs766847199, ClinGen allele CA3202798.

ClinVar aggregate classification (germline): Pathogenic (1 of 4 stars; one submission).

Conditions:
Primary ciliary dyskinesia. Also called: Ciliary dyskinesia. Identifiers: Orphanet 244, MedGen C0008780, MONDO:0016575, HP:0012265.

Allele frequency attached by ClinVar (database versions not stated): ExAC 0.00001; gnomAD 0.00002; TOPMed 0.00002.

Submission:

Labcorp Genetics (formerly Invitae), Labcorp
Classification: Pathogenic for Primary ciliary dyskinesia. Last evaluated: 2023-11-29. Review status: criteria provided, single submitter. Criteria: Invitae Variant Classification Sherloc (09022015). Collection method: clinical testing. Allele origin: germline.
Comment: This sequence change creates a premature translational stop signal (p.Ile2830Asnfs*3) in the DNAH5 gene. It is expected to result in an absent or disrupted protein product. Loss-of-function variants in DNAH5 are known to be pathogenic (PMID: 11788826, 16627867). This variant is present in population databases (rs766847199, gnomAD 0.002%). This variant has not been reported in the literature in individuals affected with DNAH5-related conditions. For these reasons, this variant has been classified as Pathogenic.

Literature cited by the submitters: PubMed 11788826; PubMed 16627867.